The following is an entry in ClinVar:

NM_002225.5(IVD):c.1160A>G (p.Asp387Gly)

Gene: IVD (isovaleryl-CoA dehydrogenase; plus strand). Cytogenetic location: 15q15.1.
Variant type: single nucleotide variant.
Coding change: c.1160A>G on transcript NM_002225.5 (MANE Select); coding-DNA position 1160, A replaced by G.
Protein change: p.Asp387Gly; replaces aspartic acid 387 with glycine.
Molecular consequence: missense variant. On other transcripts: intron variant (3).
Genome position (GRCh38, 1-based): chr15:40,418,151, A>G. VCF-style: chr15-40418151-A-G. GRCh37 (hg19) VCF-style: chr15-40710350-A-G.
Other names: c.1070A>G, p.Asp357Gly (NM_001159508.3); c.1112A>G, p.Asp371Gly (NM_001354597.3); c.1247A>G, p.Asp416Gly (NM_001354599.3); c.1225+1789A>G (NM_001354600.3); c.1138+1789A>G (NM_001354598.3, NM_001354601.3); short protein forms D387G, D357G, D371G, D416G.
Identifiers: ClinVar variation 459926 (VCV000459926.13), dbSNP rs1163816425, ClinGen allele CA391724364.
Genomic context (GRCh38, chr15:40,418,151, plus strand): 5'-AATCACTTCCTTTCTTCTCTGCCCAAACCCTGGTTGCAGGTGGCAATGGCTACATCAATG[A>G]CTTTCCCATGGGCCGCTTTCTTCGAGATGCCAAGCTGTATGAGATAGGGGCTGGGACCAG-3'
Protein context (NP_002216.3, residues 377-397): QCFGGNGYIN[Asp387Gly]FPMGRFLRDA

ClinVar aggregate classification (germline): Conflicting classifications of pathogenicity. Review status: criteria provided, conflicting classifications (1 of 4 stars). 3 submissions from 3 submitters: Likely pathogenic (1); Uncertain significance (1). 1 of the submissions does not count toward it. Last evaluated 2024-02-15.

Conditions:
Isovaleryl-CoA dehydrogenase deficiency (IVA). Also called: Classic Isovaleric Acidemia; ISOVALERIC ACID CoA DEHYDROGENASE DEFICIENCY; IVD DEFICIENCY; Isovaleric acidemia. Identifiers: Orphanet 33, MedGen C0268575, MONDO:0009475, OMIM 243500.

Allele frequency attached by ClinVar (database versions not stated): gnomAD 0.00001; gnomAD exomes 0.00001; TOPMed 0.00002.
gnomAD v4.1: 7 of 1,613,976 alleles (0.00043%); highest among the groups gnomAD compares: Non-Finnish European, 0.00059%; no homozygotes.

Submissions (3):

Fulgent Genetics
Classification: Likely pathogenic for Isovaleryl-CoA dehydrogenase deficiency. Last evaluated: 2024-02-15. Review status: criteria provided, single submitter. Criteria: ACMG Guidelines, 2015. Collection method: clinical testing. Allele origin: germline.

Labcorp Genetics (formerly Invitae), Labcorp
Classification: Uncertain significance for Isovaleryl-CoA dehydrogenase deficiency. Last evaluated: 2022-02-04. Review status: criteria provided, single submitter. Criteria: Invitae Variant Classification Sherloc (09022015). Collection method: clinical testing. Allele origin: germline.
Comment: In summary, the available evidence is currently insufficient to determine the role of this variant in disease. Therefore, it has been classified as a Variant of Uncertain Significance. Algorithms developed to predict the effect of missense changes on protein structure and function are either unavailable or do not agree on the potential impact of this missense change (SIFT: "Deleterious"; PolyPhen-2: "Probably Damaging"; Align-GVGD: "Class C15"). ClinVar contains an entry for this variant (Variation ID: 459926). This variant has not been reported in the literature in individuals affected with IVD-related conditions. This variant is present in population databases (no rsID available, gnomAD 0.002%). This sequence change replaces aspartic acid, which is acidic and polar, with glycine, which is neutral and non-polar, at codon 390 of the IVD protein (p.Asp390Gly).

Natera, Inc.
Classification: Uncertain significance for Isovaleryl-coa dehydrogenase deficiency. Last evaluated: 2018-06-28. Review status: no assertion criteria provided. Collection method: clinical testing. Allele origin: germline. Not counted in ClinVar's aggregate classification.